The following is an entry in ClinVar:

ClinVar aggregate classification (germline): Uncertain significance. Review status: criteria provided, multiple submitters, no conflicts (2 of 4 stars). 2 submissions from 2 submitters: Uncertain significance (2). Last evaluated 2025-11-01.

Conditions:
Autosomal dominant nonsyndromic hearing loss 17. Also called: Autosomal dominant nonsyndromic deafness 17; Deafness, autosomal dominant 17. Identifiers: Orphanet 90635, MedGen C1863659, MONDO:0011350, OMIM 603622.
Macrothrombocytopenia and granulocyte inclusions with or without nephritis or sensorineural hearing loss (MATINS). Also called: MACROTHROMBOCYTOPENIA WITH LEUKOCYTE INCLUSIONS; BLEEDING DISORDER, PLATELET-TYPE, 6; SEBASTIAN PLATELET SYNDROME; MACROTHROMBOCYTOPENIA WITH DISPERSED LEUKOCYTIC INCLUSIONS; MACROTHROMBOCYTOPENIA, NEPHRITIS, AND DEAFNESS; MACROTHROMBOCYTOPENIA, NEPHRITIS, DEAFNESS, AND LEUKOCYTE INCLUSIONS. Identifiers: Orphanet 182050, MedGen C5200934, MONDO:0015912, OMIM 155100.

Allele frequency attached by ClinVar (database versions not stated): ExAC 0.00001; TOPMed 0.00001; gnomAD exomes 0.00002; ESP Exome Variant Server 0.00008.
gnomAD v4.1: 27 of 1,610,566 alleles (0.0017%); highest among the groups gnomAD compares: Non-Finnish European, 0.0022%; no homozygotes.

Submissions (2):

Labcorp Genetics (formerly Invitae), Labcorp
Classification: Uncertain significance. Last evaluated: 2025-11-01. Review status: criteria provided, single submitter. Criteria: Invitae Variant Classification Sherloc (09022015). Collection method: clinical testing. Allele origin: germline.
Comment: This sequence change replaces arginine, which is basic and polar, with cysteine, which is neutral and slightly polar, at codon 1694 of the MYH9 protein (p.Arg1694Cys). The frequency data for this variant in the population databases is considered unreliable, as metrics indicate poor data quality at this position in the gnomAD database. This variant has not been reported in the literature in individuals affected with MYH9-related conditions. ClinVar contains an entry for this variant (Variation ID: 1925772). Invitae Evidence Modeling of protein sequence and biophysical properties (such as structural, functional, and spatial information, amino acid conservation, physicochemical variation, residue mobility, and thermodynamic stability) has been performed for this missense variant. However, the output from this modeling did not meet the statistical confidence thresholds required to predict the impact of this variant on MYH9 protein function. In summary, the available evidence is currently insufficient to determine the role of this variant in disease. Therefore, it has been classified as a Variant of Uncertain Significance.

Fulgent Genetics
Classification: Uncertain significance for Macrothrombocytopenia and granulocyte inclusions with or without nephritis or sensorineural hearing loss; Autosomal dominant nonsyndromic hearing loss 17. Last evaluated: 2024-04-22. Review status: criteria provided, single submitter. Criteria: ACMG Guidelines, 2015. Collection method: clinical testing. Allele origin: germline.

NM_002473.6(MYH9):c.5080C>T (p.Arg1694Cys)

Gene: MYH9 (myosin heavy chain 9; minus strand). Cytogenetic location: 22q12.3.
Variant type: single nucleotide variant.
Coding change: c.5080C>T on transcript NM_002473.6 (MANE Select); coding-DNA position 5080, C replaced by T.
Protein change: p.Arg1694Cys; replaces arginine 1694 with cysteine.
Molecular consequence: missense variant.
Genome position (GRCh38, 1-based): chr22:36,285,935, G>A on the plus strand (C>T on the coding strand, the complement: MYH9 is on the minus strand). VCF-style: chr22-36285935-G-A. GRCh37 (hg19) VCF-style: chr22-36681981-G-A.
Other names: short protein forms R1694C.
Identifiers: ClinVar variation 1925772 (VCV001925772.6), dbSNP rs142904663, ClinGen allele CA10209177.